The following is an entry in ClinVar:

ClinVar aggregate classification (germline): Likely benign (0 of 4 stars; one submission).

Conditions:
TMEM132E-related disorder. Also called: TMEM132E-related condition.

Allele frequency attached by ClinVar (database versions not stated): TOPMed 0.00005; ExAC 0.00009; 1000 Genomes Project 30x 0.00016; 1000 Genomes Project 0.00020.
gnomAD v4.1: 100 of 1,577,902 alleles (0.0063%); highest among the groups gnomAD compares: South Asian, 0.0091%; no homozygotes.

Submission:

PreventionGenetics, part of Exact Sciences
Classification: Likely benign for TMEM132E-related condition. Last evaluated: 2019-08-20. Review status: no assertion criteria provided. Collection method: clinical testing. Allele origin: germline.
Comment: This variant is classified as likely benign based on ACMG/AMP sequence variant interpretation guidelines (Richards et al. 2015 PMID: 25741868, with internal and published modifications).

NM_001304438.2(TMEM132E):c.1145+8C>T

Gene: TMEM132E (transmembrane protein 132E; plus strand). Cytogenetic location: 17q12.
Variant type: single nucleotide variant.
Coding change: c.1145+8C>T on transcript NM_001304438.2 (MANE Select); 8 bases into the intron after coding-DNA position 1145, C replaced by T.
Molecular consequence: intron variant.
Genome position (GRCh38, 1-based): chr17:34,628,717, C>T. VCF-style: chr17-34628717-C-T. GRCh37 (hg19) VCF-style: chr17-32955736-C-T.
Identifiers: ClinVar variation 3052959 (VCV003052959.2), dbSNP rs566810741, ClinGen allele CA8496571.
Genomic context (GRCh38, chr17:34,628,717, plus strand): 5'-TCAACAGCCACCGTGGATGTGGCCTGGGCTCAGAGCACACCCCTGCCCCCCAGGTGAGCC[C>T]GAGGTGGTGCATCTACCCACCTCTTCGCAAAGCAGCCATCTGAGAGGAGTGGGGAATCTT-3'